The following is an entry in ClinVar:

NM_000271.5(NPC1):c.1554-1007G>A

Gene: NPC1 (NPC intracellular cholesterol transporter 1; minus strand). Cytogenetic location: 18q11.2.
Variant type: single nucleotide variant.
Coding change: c.1554-1007G>A on transcript NM_000271.5 (MANE Select); 1007 bases into the intron before coding-DNA position 1554, G replaced by A.
Molecular consequence: intron variant.
Genome position (GRCh38, 1-based): chr18:23,552,734, C>T on the plus strand (G>A on the coding strand, the complement: NPC1 is on the minus strand). VCF-style: chr18-23552734-C-T. GRCh37 (hg19) VCF-style: chr18-21132698-C-T.
Identifiers: ClinVar variation 3044384 (VCV003044384.2), dbSNP rs2511266940, ClinGen allele CA2740093982.

ClinVar aggregate classification (germline): Likely benign (0 of 4 stars; one submission).

Conditions:
NPC1-related disorder. Also called: NPC1-related condition.

Submission:

PreventionGenetics, part of Exact Sciences
Classification: Likely benign for NPC1-related condition. Last evaluated: 2023-02-07. Review status: no assertion criteria provided. Collection method: clinical testing. Allele origin: germline.
Comment: This variant is classified as likely benign based on ACMG/AMP sequence variant interpretation guidelines (Richards et al. 2015 PMID: 25741868, with internal and published modifications).